The following is an entry in ClinVar:

ClinVar aggregate classification (germline): Uncertain significance (1 of 4 stars; one submission).

Conditions:
Aicardi-Goutieres syndrome 7 (AGS7). Identifiers: Orphanet 51, MedGen C3888244, MONDO:0014367, OMIM 615846.
Singleton-Merten syndrome 1 (SGMRT1). Also called: Widened medullary cavities of bone, aortic calcification, abnormal dentition, and muscular weakness; Syndrome of widened medullary cavities of the metacarpals and phalanges, aortic calcification and abnormal dentition. Identifiers: Orphanet 85191, MedGen C4225427, MONDO:0024535, OMIM 182250.

gnomAD v4.1: 6 of 1,613,734 alleles (0.00037%); highest among the groups gnomAD compares: South Asian, 0.0066%; no homozygotes.

Submission:

Labcorp Genetics (formerly Invitae), Labcorp
Classification: Uncertain significance for Aicardi-Goutieres syndrome 7; Singleton-Merten syndrome 1. Last evaluated: 2024-03-26. Review status: criteria provided, single submitter. Criteria: Invitae Variant Classification Sherloc (09022015). Collection method: clinical testing. Allele origin: germline.
Comment: This sequence change replaces arginine, which is basic and polar, with leucine, which is neutral and non-polar, at codon 12 of the IFIH1 protein (p.Arg12Leu). This variant is present in population databases (no rsID available, gnomAD 0.003%). This variant has not been reported in the literature in individuals affected with IFIH1-related conditions. Algorithms developed to predict the effect of missense changes on protein structure and function output the following: SIFT: "Not Available"; PolyPhen-2: "Benign"; Align-GVGD: "Not Available". The leucine amino acid residue is found in multiple mammalian species, which suggests that this missense change does not adversely affect protein function. In summary, the available evidence is currently insufficient to determine the role of this variant in disease. Therefore, it has been classified as a Variant of Uncertain Significance.

NM_022168.4(IFIH1):c.35G>T (p.Arg12Leu)

Gene: IFIH1 (interferon induced with helicase C domain 1; minus strand). Cytogenetic location: 2q24.2.
Variant type: single nucleotide variant.
Coding change: c.35G>T on transcript NM_022168.4 (MANE Select); coding-DNA position 35, G replaced by T.
Protein change: p.Arg12Leu; replaces arginine 12 with leucine.
Molecular consequence: missense variant.
Genome position (GRCh38, 1-based): chr2:162,318,273, C>A on the plus strand (G>T on the coding strand, the complement: IFIH1 is on the minus strand). VCF-style: chr2-162318273-C-A. GRCh37 (hg19) VCF-style: chr2-163174783-C-A.
Other names: short protein forms R12L.
Identifiers: ClinVar variation 3753206 (VCV003753206.2).
Genomic context (GRCh38, chr2:162,318,273, plus strand): 5'-AGCACAGGCTCCACCTGGATGTACATTTTCACCCTGGCCCTGAAGCACGAGATGAGATAG[C>A]GGAAATTCTCGTCTGTGGAATACCCATTCGACATCTTTCTTTCTCAGAGAAGGGAGAGGG-3'
Protein context (NP_071451.2, residues 2-22): SNGYSTDENF[Arg12Leu]YLISCFRARV